The following is an entry in ClinVar:

ClinVar aggregate classification (germline): Uncertain significance (1 of 4 stars; one submission).

Submission:

Labcorp Genetics (formerly Invitae), Labcorp
Classification: Uncertain significance. Last evaluated: 2024-10-07. Review status: criteria provided, single submitter. Criteria: Invitae Variant Classification Sherloc (09022015). Collection method: clinical testing. Allele origin: germline.
Comment: This sequence change replaces glycine, which is neutral and non-polar, with glutamic acid, which is acidic and polar, at codon 379 of the LMX1B protein (p.Gly379Glu). This variant is not present in population databases (gnomAD no frequency). This variant has not been reported in the literature in individuals affected with LMX1B-related conditions. An algorithm developed to predict the effect of missense changes on protein structure and function (PolyPhen-2) suggests that this variant is likely to be disruptive. In summary, the available evidence is currently insufficient to determine the role of this variant in disease. Therefore, it has been classified as a Variant of Uncertain Significance.

NM_001174147.2(LMX1B):c.1157G>A (p.Gly386Glu)

Gene: LMX1B (LIM homeobox transcription factor 1 beta; plus strand). Cytogenetic location: 9q33.3.
Variant type: single nucleotide variant.
Coding change: c.1157G>A on transcript NM_001174147.2 (MANE Select); coding-DNA position 1157, G replaced by A.
Protein change: p.Gly386Glu; replaces glycine 386 with glutamic acid.
Molecular consequence: missense variant.
Genome position (GRCh38, 1-based): chr9:126,696,399, G>A. VCF-style: chr9-126696399-G-A. GRCh37 (hg19) VCF-style: chr9-129458678-G-A.
Other names: c.1169G>A, p.Gly390Glu (NM_001174146.2); c.1136G>A, p.Gly379Glu (NM_002316.4); short protein forms G379E, G386E, G390E.
Identifiers: ClinVar variation 3722405 (VCV003722405.2).